The following is an entry in ClinVar:

ClinVar aggregate classification (germline): Benign (0 of 4 stars; one submission).

Conditions:
XIRP1-related disorder. Also called: XIRP1-related condition.

Allele frequency attached by ClinVar (database versions not stated): ExAC 0.04314; ESP Exome Variant Server 0.08141; gnomAD 0.08589; 1000 Genomes Project 0.10304; TOPMed 0.10403; 1000 Genomes Project 30x 0.11118.
gnomAD v4.1: 31,851 of 1,561,690 alleles (2%); highest among the groups gnomAD compares: African/African-American, 27%; 3,210 homozygotes.

Submission:

PreventionGenetics, part of Exact Sciences
Classification: Benign for XIRP1-related condition. Last evaluated: 2019-11-06. Review status: no assertion criteria provided. Collection method: clinical testing. Allele origin: germline.
Comment: This variant is classified as benign based on ACMG/AMP sequence variant interpretation guidelines (Richards et al. 2015 PMID: 25741868, with internal and published modifications).

NM_194293.4(XIRP1):c.4501G>A (p.Val1501Met)

Gene: XIRP1 (xin actin binding repeat containing 1; minus strand). Cytogenetic location: 3p22.2.
Variant type: single nucleotide variant.
Coding change: c.4501G>A on transcript NM_194293.4 (MANE Select); coding-DNA position 4501, G replaced by A.
Protein change: p.Val1501Met; replaces valine 1501 with methionine.
Molecular consequence: missense variant. On other transcripts: 3 prime UTR variant (1).
Genome position (GRCh38, 1-based): chr3:39,184,945, C>T on the plus strand (G>A on the coding strand, the complement: XIRP1 is on the minus strand). VCF-style: chr3-39184945-C-T. GRCh37 (hg19) VCF-style: chr3-39226436-C-T.
Other names: c.*708G>A (NM_001198621.4); c.550G>A, p.Val184Met (NM_001351377.2); short protein forms V1501M, V184M.
Identifiers: ClinVar variation 3058997 (VCV003058997.2), dbSNP rs58805228, ClinGen allele CA2325834.